The following is an entry in ClinVar:

NM_000388.4(CASR):c.688G>A (p.Ala230Thr)

Gene: CASR (calcium sensing receptor; plus strand). Cytogenetic location: 3q21.1.
Variant type: single nucleotide variant.
Coding change: c.688G>A on transcript NM_000388.4 (MANE Select); coding-DNA position 688, G replaced by A.
Protein change: p.Ala230Thr; replaces alanine 230 with threonine.
Molecular consequence: missense variant.
Genome position (GRCh38, 1-based): chr3:122,261,723, G>A. VCF-style: chr3-122261723-G-A. GRCh37 (hg19) VCF-style: chr3-121980570-G-A.
Other names: c.688G>A, p.Ala230Thr (NM_001178065.2); short protein forms A230T.
Identifiers: ClinVar variation 1716086 (VCV001716086.6), dbSNP rs2473226044, ClinGen allele CA354151130.

ClinVar aggregate classification (germline): Uncertain significance (1 of 4 stars; one submission).

Conditions:
Familial hypocalciuric hypercalcemia (FHH). Also called: Familial benign hypercalcemia. Identifiers: Orphanet 405, MedGen C1809471, MONDO:0018458.
Autosomal dominant hypocalcemia 1 (HYPOC1). Also called: HYPOCALCEMIA, FAMILIAL. Identifiers: MedGen C3715128, MONDO:0011013, OMIM 601198.

Submission:

Labcorp Genetics (formerly Invitae), Labcorp
Classification: Uncertain significance for Familial hypocalciuric hypercalcemia; Autosomal dominant hypocalcemia 1. Last evaluated: 2022-08-10. Review status: criteria provided, single submitter. Criteria: Invitae Variant Classification Sherloc (09022015). Collection method: clinical testing. Allele origin: germline.
Comment: This sequence change replaces alanine, which is neutral and non-polar, with threonine, which is neutral and polar, at codon 230 of the CASR protein (p.Ala230Thr). This variant is not present in population databases (gnomAD no frequency). This variant has not been reported in the literature in individuals affected with CASR-related conditions. Algorithms developed to predict the effect of missense changes on protein structure and function are either unavailable or do not agree on the potential impact of this missense change (SIFT: "Deleterious"; PolyPhen-2: "Benign"; Align-GVGD: "Class C0"). In summary, the available evidence is currently insufficient to determine the role of this variant in disease. Therefore, it has been classified as a Variant of Uncertain Significance.